The following is an entry in ClinVar:

ClinVar aggregate classification (germline): Uncertain significance (1 of 4 stars; one submission).

Conditions:
RASopathy. Also called: Noonan spectrum disorder; rasopathies. Identifiers: Orphanet 536391, MedGen C5555857, MONDO:0021060.

Submission:

Labcorp Genetics (formerly Invitae), Labcorp
Classification: Uncertain significance for RASopathy. Last evaluated: 2018-11-01. Review status: criteria provided, single submitter. Criteria: Invitae Variant Classification Sherloc (09022015). Collection method: clinical testing. Allele origin: germline.
Comment: In summary, the available evidence is currently insufficient to determine the role of this variant in disease. Therefore, it has been classified as a Variant of Uncertain Significance. The current clinical and genetic evidence is not sufficient to establish whether loss-of-function variants in MAP2K2 cause disease. This variant has not been reported in the literature in individuals with MAP2K2-related disease. This variant is an out-of-frame deletion of the genomic region encompassing exon 8 of the MAP2K2 gene. This is expected to create a premature translational stop signal and result in an absent or disrupted protein product.

NC_000019.10:g.(?_4097269)_(4097353_?)del

Gene: MAP2K2 (mitogen-activated protein kinase kinase 2; minus strand). Cytogenetic location: 19p13.3.
Variant type: Deletion.
Identifiers: ClinVar variation 650706 (VCV000650706.5).